The following is an entry in ClinVar:

NM_002476.2(MYL4):c.510A>T (p.Glu170Asp)

Gene: MYL4 (myosin light chain 4; plus strand). Cytogenetic location: 17q21.32.
Variant type: single nucleotide variant.
Coding change: c.510A>T on transcript NM_002476.2 (MANE Select); coding-DNA position 510, A replaced by T.
Protein change: p.Glu170Asp; replaces glutamic acid 170 with aspartic acid.
Molecular consequence: missense variant.
Genome position (GRCh38, 1-based): chr17:47,222,402, A>T. VCF-style: chr17-47222402-A-T. GRCh37 (hg19) VCF-style: chr17-45299768-A-T.
Other names: c.510A>T, p.Glu170Asp (NM_001002841.2); short protein forms E170D.
Identifiers: ClinVar variation 4692373 (VCV004692373.1).

ClinVar aggregate classification (germline): Uncertain significance (1 of 4 stars; one submission).

Conditions:
Atrial fibrillation, familial, 18 (ATFB18). Identifiers: MedGen C4310636, MONDO:0015001, OMIM 617280.

Submission:

Labcorp Genetics (formerly Invitae), Labcorp
Classification: Uncertain significance for Atrial fibrillation, familial, 18. Last evaluated: 2025-10-13. Review status: criteria provided, single submitter. Criteria: Invitae Variant Classification Sherloc (09022015). Collection method: clinical testing. Allele origin: germline.
Comment: This sequence change replaces glutamic acid, which is acidic and polar, with aspartic acid, which is acidic and polar, at codon 170 of the MYL4 protein (p.Glu170Asp). This variant is not present in population databases (gnomAD no frequency). This variant has not been reported in the literature in individuals affected with MYL4-related conditions. An algorithm developed to predict the effect of missense changes on protein structure and function (PolyPhen-2) suggests that this variant is likely to be disruptive. In summary, the available evidence is currently insufficient to determine the role of this variant in disease. Therefore, it has been classified as a Variant of Uncertain Significance.